The following is an entry in ClinVar:

ClinVar aggregate classification (germline): Benign. Review status: criteria provided, multiple submitters, no conflicts (2 of 4 stars). 15 submissions from 15 submitters: Benign (12). 3 of the submissions do not count toward it. Last evaluated 2026-02-04.

Conditions:
Inborn genetic diseases. Identifiers: MedGen C0950123, MeSH D030342.
Qualitative or quantitative defects of delta-sarcoglycan. Identifiers: Orphanet 207070, MedGen C5680806, MONDO:0016144.
Autosomal recessive limb-girdle muscular dystrophy type 2F (LGMDR6). Also called: Muscular dystrophy limb-girdle with delta-sarcoglyan deficiency; MUSCULAR DYSTROPHY, LIMB-GIRDLE, AUTOSOMAL RECESSIVE 6. Identifiers: Orphanet 219, MedGen C1832525, MONDO:0011028, OMIM 601287. Disease mechanism: Affects gamma-sarcoglycan and also disrupts the integrity of the entire sarcoglycan complex..

Allele frequency attached by ClinVar (database versions not stated): ExAC 0.46605; gnomAD exomes 0.46852 and 0.44806; 1000 Genomes Project 30x 0.47611; 1000 Genomes Project 0.48542; ESP Exome Variant Server 0.37766; gnomAD 0.39558 and 0.40745; TOPMed 0.40066.
gnomAD v4.1: 716,230 of 1,610,812 alleles (44%); highest among the groups gnomAD compares: East Asian, 79%; 164,446 homozygotes.

Submissions (15):

Labcorp Genetics (formerly Invitae), Labcorp
Classification: Benign for Autosomal recessive limb-girdle muscular dystrophy type 2F. Last evaluated: 2026-02-04. Review status: criteria provided, single submitter. Criteria: Invitae Variant Classification Sherloc (09022015). Collection method: clinical testing. Allele origin: germline.

Blueprint Genetics
Classification: Benign. Last evaluated: 2024-11-26. Review status: criteria provided, single submitter. Criteria: ACMG Guidelines, 2015. Collection method: clinical testing. Allele origin: germline.

Genome-Nilou Lab
Classification: Benign for Autosomal recessive limb-girdle muscular dystrophy type 2F. Last evaluated: 2021-07-15. Review status: criteria provided, single submitter. Criteria: ACMG Guidelines, 2015. Collection method: clinical testing. Allele origin: germline. Affected: no.

Illumina Laboratory Services, Illumina
Classification: Benign for Qualitative or quantitative defects of delta-sarcoglycan. Last evaluated: 2018-01-13. Review status: criteria provided, single submitter. Criteria: ICSL Variant Classification Criteria 13 December 2019. Collection method: clinical testing. Allele origin: germline.
Comment: This variant was observed in the ICSL laboratory as part of a predisposition screen in an ostensibly healthy population. It had not been previously curated by ICSL or reported in the Human Gene Mutation Database (HGMD: prior to June 1st, 2018), and was therefore a candidate for classification through an automated scoring system. Utilizing variant allele frequency, disease prevalence and penetrance estimates, and inheritance mode, an automated score was calculated to assess if this variant is too frequent to cause the disease. Based on the score and internal cut-off values, a variant classified as benign is not then subjected to further curation. The score for this variant resulted in a classification of benign for this disease.

Eurofins Ntd Llc (ga)
Classification: Benign. Last evaluated: 2017-08-25. Review status: criteria provided, single submitter. Criteria: EGL Classification Definitions 2015. Collection method: clinical testing. Allele origin: germline. Observed: 58 variant alleles, 38 heterozygotes, 20 homozygotes.

Mayo Clinic Laboratories, Mayo Clinic
Classification: Benign. Last evaluated: 2017-07-24. Review status: criteria provided, single submitter. Criteria: ACMG Guidelines, 2015. Collection method: clinical testing. Allele origin: germline. Observed: 1,328 variant alleles.

Athena Diagnostics
Classification: Benign. Last evaluated: 2017-04-13. Review status: criteria provided, single submitter. Criteria: Athena Diagnostics Criteria. Collection method: clinical testing. Allele origin: unknown.

Ambry Genetics
Classification: Benign for Inborn genetic diseases. Last evaluated: 2015-10-22. Review status: criteria provided, single submitter. Criteria: Ambry Variant Classification Scheme 2023. Collection method: clinical testing. Allele origin: germline.

Genetic Services Laboratory, University of Chicago
Classification: Benign for AllHighlyPenetrant. Last evaluated: 2013-08-15. Review status: criteria provided, single submitter. Criteria: ACMG Guidelines, 2007. Collection method: clinical testing. Allele origin: germline. Inheritance: Autosomal recessive inheritance.

GeneDx
Classification: Benign. Last evaluated: 2012-09-25. Review status: criteria provided, single submitter. Criteria: GeneDx Variant Classification (06012015). Collection method: clinical testing. Allele origin: germline. Affected: yes.
Comment: This variant is considered likely benign or benign based on one or more of the following criteria: it is a conservative change, it occurs at a poorly conserved position in the protein, it is predicted to be benign by multiple in silico algorithms, and/or has population frequency not consistent with disease.

Laboratory for Molecular Medicine, Mass General Brigham Personalized Medicine
Classification: Benign. Last evaluated: 2008-12-04. Review status: criteria provided, single submitter. Criteria: LMM Criteria. Collection method: clinical testing. Allele origin: germline. Observed: 1,757 variant alleles.

PreventionGenetics, part of Exact Sciences
Classification: Benign. Review status: criteria provided, single submitter. Criteria: ACMG Guidelines, 2015. Collection method: clinical testing. Allele origin: germline.

Clinical Genetics DNA and cytogenetics Diagnostics Lab, Erasmus MC, Erasmus Medical Center
Classification: Benign. Review status: no assertion criteria provided. Collection method: clinical testing. Allele origin: germline. Affected: yes. Study: VKGL Data-share Consensus. Not counted in ClinVar's aggregate classification.

Clinical Genetics, Academic Medical Center
Classification: Benign. Review status: no assertion criteria provided. Collection method: clinical testing. Allele origin: germline. Affected: yes. Study: VKGL Data-share Consensus. Not counted in ClinVar's aggregate classification.

Diagnostic Laboratory, Department of Genetics, University Medical Center Groningen
Classification: Benign. Review status: no assertion criteria provided. Collection method: clinical testing. Allele origin: germline. Affected: yes. Study: VKGL Data-share Consensus. Not counted in ClinVar's aggregate classification.

NM_000337.6(SGCD):c.84T>C (p.Tyr28=)

Gene: SGCD (sarcoglycan delta; plus strand). Cytogenetic location: 5q33.3.
Variant type: single nucleotide variant.
Coding change: c.84T>C on transcript NM_000337.6 (MANE Select); coding-DNA position 84, T replaced by C.
Protein change: p.Tyr28=; no amino-acid change (tyrosine 28 retained).
Molecular consequence: synonymous variant.
Genome position (GRCh38, 1-based): chr5:156,344,569, T>C. VCF-style: chr5-156344569-T-C. GRCh37 (hg19) VCF-style: chr5-155771579-T-C.
Other names: p.Y28Y:TAT>TAC; p.Tyr28=; c.81T>C, p.Tyr27= (NM_001128209.2); c.84T>C, p.Tyr28= (NM_172244.3).
Identifiers: ClinVar variation 48125 (VCV000048125.41), dbSNP rs1801193, ClinGen allele CA284623.